The following is an entry in ClinVar:

ClinVar aggregate classification (germline): Uncertain significance. Review status: criteria provided, multiple submitters, no conflicts (2 of 4 stars). 2 submissions from 2 submitters: Uncertain significance (2). Last evaluated 2025-12-01.

Conditions:
Inborn genetic diseases. Identifiers: MedGen C0950123, MeSH D030342.

gnomAD v4.1: 12 of 1,614,150 alleles (0.00074%); highest among the groups gnomAD compares: Non-Finnish European, 0.00093%; no homozygotes.

Submissions (2):

Labcorp Genetics (formerly Invitae), Labcorp
Classification: Uncertain significance. Last evaluated: 2025-12-01. Review status: criteria provided, single submitter. Criteria: Invitae Variant Classification Sherloc (09022015). Collection method: clinical testing. Allele origin: germline.
Comment: This sequence change replaces isoleucine, which is neutral and non-polar, with methionine, which is neutral and non-polar, at codon 42 of the C1S protein (p.Ile42Met). This variant is not present in population databases (gnomAD no frequency). This variant has not been reported in the literature in individuals affected with C1S-related conditions. ClinVar contains an entry for this variant (Variation ID: 4217190). Invitae Evidence Modeling of protein sequence and biophysical properties (such as structural, functional, and spatial information, amino acid conservation, physicochemical variation, residue mobility, and thermodynamic stability) indicates that this missense variant is expected to disrupt C1S protein function with a positive predictive value of 80%. In summary, the available evidence is currently insufficient to determine the role of this variant in disease. Therefore, it has been classified as a Variant of Uncertain Significance.

Ambry Genetics
Classification: Uncertain significance for Inborn genetic diseases. Last evaluated: 2025-08-12. Review status: criteria provided, single submitter. Criteria: Ambry Variant Classification Scheme 2023. Collection method: clinical testing. Allele origin: germline.

NM_001734.5(C1S):c.126A>G (p.Ile42Met)

Gene: C1S (complement C1s; plus strand). Cytogenetic location: 12p13.31.
Variant type: single nucleotide variant.
Coding change: c.126A>G on transcript NM_001734.5 (MANE Select); coding-DNA position 126, A replaced by G.
Protein change: p.Ile42Met; replaces isoleucine 42 with methionine.
Molecular consequence: missense variant. On other transcripts: intron variant (1).
Genome position (GRCh38, 1-based): chr12:7,062,595, A>G. VCF-style: chr12-7062595-A-G. GRCh37 (hg19) VCF-style: chr12-7169899-A-G.
Other names: c.126A>G, p.Ile42Met (NM_201442.4); c.-288-295A>G (NM_001346850.2); short protein forms I42M.
Identifiers: ClinVar variation 4217190 (VCV004217190.2).
Genomic context (GRCh38, chr12:7,062,595, plus strand): 5'-GATCCTGTCCCCTAACTATCCTCAGGCATATCCCAGTGAGGTAGAGAAATCTTGGGACAT[A>G]GAAGTTCCTGAAGGGTATGGGATTCACCTCTACTTCACCCATCTGGACATTGAGCTGTCA-3'
Protein context (NP_001725.1, residues 32-52): YPSEVEKSWD[Ile42Met]EVPEGYGIHL